The following is an entry in ClinVar:

ClinVar aggregate classification (germline): Uncertain significance (1 of 4 stars; one submission).

Allele frequency attached by ClinVar (database versions not stated): gnomAD exomes below 0.00001.
gnomAD v4.1: 2 of 1,612,938 alleles (0.00012%); highest among the groups gnomAD compares: Non-Finnish European, 0.00017%; no homozygotes.

Submission:

Ambry Genetics
Classification: Uncertain significance. Last evaluated: 2023-11-19. Review status: criteria provided, single submitter. Criteria: Ambry Variant Classification Scheme 2023. Collection method: clinical testing. Allele origin: germline.
Comment: The p.I641N variant (also known as c.1922T>A), located in coding exon 19 of the KIF1B gene, results from a T to A substitution at nucleotide position 1922. The isoleucine at codon 641 is replaced by asparagine, an amino acid with dissimilar properties. This amino acid position is conserved. In addition, the in silico prediction for this alteration is inconclusive. Since supporting evidence is limited at this time, the clinical significance of this alteration remains unclear.

NM_001365951.3(KIF1B):c.2060T>A (p.Ile687Asn)

Gene: KIF1B (kinesin family member 1B; plus strand). Cytogenetic location: 1p36.22.
Variant type: single nucleotide variant.
Coding change: c.2060T>A on transcript NM_001365951.3 (MANE Select); coding-DNA position 2060, T replaced by A.
Protein change: p.Ile687Asn; replaces isoleucine 687 with asparagine.
Molecular consequence: missense variant.
Genome position (GRCh38, 1-based): chr1:10,297,191, T>A. VCF-style: chr1-10297191-T-A. GRCh37 (hg19) VCF-style: chr1-10357249-T-A.
Other names: c.2060T>A, p.Ile687Asn (NM_001365952.1); c.1922T>A, p.Ile641Asn (NM_001365953.1, NM_015074.3, NM_183416.4); short protein forms I641N, I687N.
Identifiers: ClinVar variation 3226377 (VCV003226377.1), dbSNP rs2521404449, ClinGen allele CA338317780.